The following is an entry in ClinVar:

ClinVar aggregate classification (germline): Uncertain significance (1 of 4 stars; one submission).

Conditions:
Cardiovascular phenotype. Identifiers: MedGen CN230736.

Allele frequency attached by ClinVar (database versions not stated): gnomAD exomes below 0.00001.

Submission:

Ambry Genetics
Classification: Uncertain significance for Cardiovascular phenotype. Last evaluated: 2023-03-24. Review status: criteria provided, single submitter. Criteria: Ambry Variant Classification Scheme 2023. Collection method: clinical testing. Allele origin: germline.
Comment: The c.393G>A variant (also known as p.K131K), located in coding exon 7 of the TNNI3 gene, results from a G to A substitution at nucleotide position 393. This nucleotide substitution does not change the lysine at codon 131. This nucleotide position is well conserved in available vertebrate species. In silico splice site analysis predicts that this alteration may result in the creation or strengthening of a novel splice acceptor site. Since supporting evidence is limited at this time, the clinical significance of this alteration remains unclear.

NM_000363.5(TNNI3):c.393G>A (p.Lys131=)

Gene: TNNI3 (troponin I3, cardiac type; minus strand). Cytogenetic location: 19q13.42.
Variant type: single nucleotide variant.
Coding change: c.393G>A on transcript NM_000363.5 (MANE Select); coding-DNA position 393, G replaced by A.
Protein change: p.Lys131=; no amino-acid change (lysine 131 retained).
Molecular consequence: synonymous variant.
Genome position (GRCh38, 1-based): chr19:55,154,186, C>T on the plus strand (G>A on the coding strand, the complement: TNNI3 is on the minus strand). VCF-style: chr19-55154186-C-T. GRCh37 (hg19) VCF-style: chr19-55665554-C-T.
Identifiers: ClinVar variation 2564934 (VCV002564934.2), dbSNP rs2515498605, ClinGen allele CA508989472.
Genomic context (GRCh38, chr19:55,154,186, plus strand): 5'-TGCAGAGATCCTCACTCTCCGCAGGGTGGGCCGCTTAAACTTGCCTCGAAGGTCAAAGAT[C>T]TTCTGAGTCAGATCTGCAATCTGGGGGCACACGAGGGGGTGGGTACTTCTCCTTCCATTT-3'
Protein context (NP_000354.4, residues 121-141): NITEIADLTQ[Lys131=]IFDLRGKFKR